The following is an entry in ClinVar:

NM_005012.4(ROR1):c.495AGA[1] (p.Glu166del)

Gene: ROR1 (receptor tyrosine kinase like orphan receptor 1; plus strand). Cytogenetic location: 1p31.3.
Variant type: Microsatellite.
Coding change: c.495AGA[1] on transcript NM_005012.4 (MANE Select); one copy of the 3-base unit AGA starting at c.495; the reference has two copies in a row; one copy, 3 bases deleted.
Protein change: p.Glu166del; deletes glutamic acid 166.
Molecular consequence: inframe deletion.
Genome position (GRCh38, 1-based): chr1:64,137,384-64,137,386, AGA deleted; deleting any 3 consecutive bases within chr1:64,137,379-64,137,386 gives the same sequence; the position shown is the placement nearest the transcript's 3' end. VCF-style (leftmost placement, unchanged base first): chr1-64137378-TGAA-T. GRCh37 (hg19) VCF-style: chr1-64603061-TGAA-T.
Other names: c.495AGA[1], p.Glu166del (NM_001083592.2); short protein forms E166del.
Identifiers: ClinVar variation 2872093 (VCV002872093.3), dbSNP rs1351969137, ClinGen allele CA523587750.

ClinVar aggregate classification (germline): Uncertain significance (1 of 4 stars; one submission).

Submission:

Labcorp Genetics (formerly Invitae), Labcorp
Classification: Uncertain significance. Last evaluated: 2023-10-03. Review status: criteria provided, single submitter. Criteria: Invitae Variant Classification Sherloc (09022015). Collection method: clinical testing. Allele origin: germline.
Comment: This variant, c.498_500del, results in the deletion of 1 amino acid(s) of the ROR1 protein (p.Glu166del), but otherwise preserves the integrity of the reading frame. This variant is present in population databases (no rsID available, gnomAD 0.002%). This variant has not been reported in the literature in individuals affected with ROR1-related conditions. Experimental studies and prediction algorithms are not available or were not evaluated, and the functional significance of this variant is currently unknown. In summary, the available evidence is currently insufficient to determine the role of this variant in disease. Therefore, it has been classified as a Variant of Uncertain Significance.